The following is an entry in ClinVar:

NM_001042492.3(NF1):c.1224T>A (p.Tyr408Ter)

Gene: NF1 (neurofibromin 1; plus strand). Cytogenetic location: 17q11.2.
Variant type: single nucleotide variant.
Coding change: c.1224T>A on transcript NM_001042492.3 (MANE Select); coding-DNA position 1224, T replaced by A.
Protein change: p.Tyr408Ter; replaces tyrosine 408 with a stop codon.
Molecular consequence: nonsense.
Genome position (GRCh38, 1-based): chr17:31,201,449, T>A. VCF-style: chr17-31201449-T-A. GRCh37 (hg19) VCF-style: chr17-29528467-T-A.
Other names: c.1224T>A, p.Tyr408Ter (NM_000267.4, NM_001128147.3); short protein forms Y408*.
Identifiers: ClinVar variation 485979 (VCV000485979.11), dbSNP rs1555611089, ClinGen allele CA398997606.

ClinVar aggregate classification (germline): Pathogenic. Review status: criteria provided, multiple submitters, no conflicts (2 of 4 stars). 3 submissions from 3 submitters: Pathogenic (3). Last evaluated 2026-05-30.

Conditions:
Hereditary cancer-predisposing syndrome. Also called: Neoplastic Syndromes, Hereditary; Tumor predisposition; Hereditary Cancer Syndrome; Hereditary neoplastic syndrome. Identifiers: Orphanet 140162, MedGen C0027672, MeSH D009386, MONDO:0015356.
Cardiovascular phenotype. Identifiers: MedGen CN230736.
Neurofibromatosis, type 1 (NF1). Also called: NEUROFIBROMATOSIS, TYPE I, SOMATIC; Neurofibromatosis, type I; Peripheral type neurofibromatosis; VON RECKLINGHAUSEN DISEASE. Identifiers: Orphanet 636, MedGen C0027831, MONDO:0018975, OMIM 162200. Disease mechanism: loss of function.

Submissions (3):

NHS Central & South Genomic Laboratory Hub
Classification: Pathogenic for Neurofibromatosis type 1. Last evaluated: 2026-05-30. Review status: criteria provided, single submitter. Criteria: ACMG Guidelines, 2015. Collection method: clinical testing. Allele origin: germline. Affected: yes.

Labcorp Genetics (formerly Invitae), Labcorp
Classification: Pathogenic for Neurofibromatosis, type 1. Last evaluated: 2022-09-27. Review status: criteria provided, single submitter. Criteria: Invitae Variant Classification Sherloc (09022015). Collection method: clinical testing. Allele origin: germline.
Comment: For these reasons, this variant has been classified as Pathogenic. ClinVar contains an entry for this variant (Variation ID: 485979). This premature translational stop signal has been observed in individual(s) with NF1-related conditions (PMID: 10712197, 26969325, 30290804). This variant is not present in population databases (gnomAD no frequency). This sequence change creates a premature translational stop signal (p.Tyr408*) in the NF1 gene. It is expected to result in an absent or disrupted protein product. Loss-of-function variants in NF1 are known to be pathogenic (PMID: 10712197, 23913538).

Ambry Genetics
Classification: Pathogenic for Cardiovascular phenotype; Hereditary cancer-predisposing syndrome. Last evaluated: 2017-08-31. Review status: criteria provided, single submitter. Criteria: Ambry Variant Classification Scheme 2023. Collection method: clinical testing. Allele origin: germline.
Comment: The p.Y408* pathogenic mutation (also known as c.1224T>A), located in coding exon 11 of the NF1 gene, results from a T to A substitution at nucleotide position 1224. This changes the amino acid from a tyrosine to a stop codon within coding exon 11. This alteration has been previously identified in an individual meeting diagnostic criteria of neurofibromatosis 1 (NF1) (Fahsold R et al. Am. J. Hum. Genet., 2000 Mar;66:790-818). In addition to the clinical data presented in the literature, this alteration is expected to result in loss of function by premature protein truncation or nonsense-mediated mRNA decay. As such, this alteration is interpreted as a disease-causing mutation.

Literature cited by the submitters: PubMed 10712197 (cited by Labcorp Genetics (formerly Invitae), Labcorp); PubMed 26969325 (cited by Labcorp Genetics (formerly Invitae), Labcorp); PubMed 30290804 (cited by Labcorp Genetics (formerly Invitae), Labcorp); PubMed 23913538 (cited by Labcorp Genetics (formerly Invitae), Labcorp).